The following is an entry in ClinVar:

ClinVar aggregate classification (germline): Likely benign. Review status: criteria provided, multiple submitters, no conflicts (2 of 4 stars). 3 submissions from 3 submitters: Likely benign (2). 1 of the submissions does not count toward it. Last evaluated 2022-04-15.

Conditions:
Cardiovascular phenotype. Identifiers: MedGen CN230736.
Long QT syndrome (LQTS). Identifiers: MedGen C0023976, MeSH D008133, MONDO:0002442. Disease mechanism: loss of function. Inheritance: Various modes of inheritance.
AKAP9-related disorder. Also called: AKAP9-related condition.

Allele frequency attached by ClinVar (database versions not stated): ExAC 0.00002; gnomAD exomes 0.00002 and 0.00005; gnomAD 0.00003 and 0.00004; TOPMed 0.00006.
gnomAD v4.1: 79 of 1,613,810 alleles (0.0049%); highest among the groups gnomAD compares: Non-Finnish European, 0.0065%; no homozygotes.

Submissions (3):

Labcorp Genetics (formerly Invitae), Labcorp
Classification: Likely benign for Long QT syndrome. Last evaluated: 2022-04-15. Review status: criteria provided, single submitter. Criteria: Invitae Variant Classification Sherloc (09022015). Collection method: clinical testing. Allele origin: germline.

Ambry Genetics
Classification: Likely benign for Cardiovascular phenotype. Last evaluated: 2016-12-23. Review status: criteria provided, single submitter. Criteria: Ambry Variant Classification Scheme 2023. Collection method: clinical testing. Allele origin: germline.

PreventionGenetics, part of Exact Sciences
Classification: Likely benign for AKAP9-related condition. Last evaluated: 2019-05-10. Review status: no assertion criteria provided. Collection method: clinical testing. Allele origin: germline. Not counted in ClinVar's aggregate classification.
Comment: This variant is classified as likely benign based on ACMG/AMP sequence variant interpretation guidelines (Richards et al. 2015 PMID: 25741868, with internal and published modifications).

NM_005751.5(AKAP9):c.3345C>G (p.Ala1115=)

Gene: AKAP9 (A-kinase anchoring protein 9; plus strand). Cytogenetic location: 7q21.2.
Variant type: single nucleotide variant.
Coding change: c.3345C>G on transcript NM_005751.5 (MANE Select); coding-DNA position 3345, C replaced by G.
Protein change: p.Ala1115=; no amino-acid change (alanine 1115 retained).
Molecular consequence: synonymous variant.
Genome position (GRCh38, 1-based): chr7:92,012,455, C>G. VCF-style: chr7-92012455-C-G. GRCh37 (hg19) VCF-style: chr7-91641769-C-G.
Other names: c.3345C>G, p.Ala1115= (NM_147185.3).
Identifiers: ClinVar variation 519370 (VCV000519370.15), dbSNP rs749254312, ClinGen allele CA4336289.
Genomic context (GRCh38, chr7:92,012,455, plus strand): 5'-GAATATTATAATGTTTACATATGTTTACTTTAAGAATGATTTAAGGCTACAGATGGAAGC[C>G]CAACGCATTTGCCTCTCTCTGGTTTATTCAACTCATGTGGATCAGGTTCGTGAATATATG-3'
Protein context (NP_005742.4, residues 1105-1125): EQNDLRLQME[Ala1115=]QRICLSLVYS